The following is an entry in ClinVar:

NM_006031.6(PCNT):c.5519_5520dup (p.Asn1841fs)

Gene: PCNT (pericentrin; plus strand). Cytogenetic location: 21q22.3.
Variant type: Microsatellite.
Coding change: c.5519_5520dup on transcript NM_006031.6 (MANE Select); coding-DNA positions 5519 to 5520, 2 bases duplicated (GC; older notation c.5519_5520dupGC).
Protein change: p.Asn1841fs; shifts the reading frame from asparagine 1841.
Molecular consequence: frameshift variant.
Genome position (GRCh38, 1-based): chr21:46,411,592-46,411,593, GC duplicated; duplicating any 2 consecutive bases within chr21:46,411,590-46,411,593 gives the same sequence; the c. name uses the placement nearest the transcript's 3' end. VCF-style (leftmost placement, unchanged base first): chr21-46411589-A-AGC. GRCh37 (hg19) VCF-style: chr21-47831503-A-AGC.
Other names: c.5165_5166dup, p.Asn1723fs (NM_001315529.2); short protein forms N1723fs, N1841fs.
Identifiers: ClinVar variation 5019027 (VCV005019027.2).

ClinVar aggregate classification (germline): Likely pathogenic (1 of 4 stars; one submission).

Conditions:
Microcephalic osteodysplastic primordial dwarfism type II (MOPD2). Also called: MOPD II; OSTEODYSPLASTIC PRIMORDIAL DWARFISM, TYPE II; Microcephalic osteodysplastic primordial dwarfism with tooth abnormalities. Identifiers: Orphanet 2637, MedGen C0432246, MONDO:0008872, OMIM 210720.

Submission:

Juno Genomics, Hangzhou Juno Genomics, Inc
Classification: Likely pathogenic for Microcephalic osteodysplastic primordial dwarfism type II. Review status: criteria provided, single submitter. Criteria: ACMG Guidelines, 2015. Collection method: clinical testing. Allele origin: germline.
Comment: Absent from controls (or at extremely low frequency if recessive) in Genome Aggregation Database.;Null variant in a gene where loss of function (LOF) is a known mechanism of disease.